The following is an entry in ClinVar:

ClinVar aggregate classification (germline): Uncertain significance. Review status: criteria provided, multiple submitters, no conflicts (2 of 4 stars). 2 submissions from 2 submitters: Uncertain significance (2). Last evaluated 2024-08-01.

Conditions:
Hereditary cancer-predisposing syndrome. Also called: Tumor predisposition; Hereditary neoplastic syndrome; Hereditary Cancer Syndrome; Neoplastic Syndromes, Hereditary. Identifiers: Orphanet 140162, MedGen C0027672, MeSH D009386, MONDO:0015356.
Familial adenomatous polyposis 1 (FAP1). Also called: FAMILIAL ADENOMATOUS POLYPOSIS 1, ATTENUATED; POLYPOSIS, ADENOMATOUS INTESTINAL. Identifiers: MedGen C2713442, MONDO:0021056, OMIM 175100. Disease mechanism: loss of function.

Allele frequency attached by ClinVar (database versions not stated): gnomAD exomes below 0.00001.
gnomAD v4.1: 2 of 1,614,066 alleles (0.00012%); highest among the groups gnomAD compares: Non-Finnish European, 0.00017%; no homozygotes.

Submissions (2):

Ambry Genetics
Classification: Uncertain significance for Hereditary cancer-predisposing syndrome. Last evaluated: 2024-08-01. Review status: criteria provided, single submitter. Criteria: Ambry Variant Classification Scheme 2023. Collection method: clinical testing. Allele origin: germline.
Comment: The p.V2706M variant (also known as c.8116G>A), located in coding exon 15 of the APC gene, results from a G to A substitution at nucleotide position 8116. The valine at codon 2706 is replaced by methionine, an amino acid with highly similar properties. This amino acid position is conserved. In addition, in silico predictors for this gene do not accurately predict pathogenicity. Based on the available evidence, the clinical significance of this variant remains unclear.

Labcorp Genetics (formerly Invitae), Labcorp
Classification: Uncertain significance for Familial adenomatous polyposis 1. Last evaluated: 2019-10-09. Review status: criteria provided, single submitter. Criteria: Invitae Variant Classification Sherloc (09022015). Collection method: clinical testing. Allele origin: germline.
Comment: This sequence change replaces valine with methionine at codon 2706 of the APC protein (p.Val2706Met). The valine residue is moderately conserved and there is a small physicochemical difference between valine and methionine. This variant is not present in population databases (ExAC no frequency). This variant has not been reported in the literature in individuals with APC-related conditions. Algorithms developed to predict the effect of missense changes on protein structure and function output the following: SIFT: "Tolerated"; PolyPhen-2: "Benign"; Align-GVGD: "Class C0". The methionine amino acid residue is found in multiple mammalian species, suggesting that this missense change does not adversely affect protein function. These predictions have not been confirmed by published functional studies and their clinical significance is uncertain. In summary, the available evidence is currently insufficient to determine the role of this variant in disease. Therefore, it has been classified as a Variant of Uncertain Significance.

NM_000038.6(APC):c.8116G>A (p.Val2706Met)

Gene: APC (APC regulator of Wnt signaling pathway; plus strand). Cytogenetic location: 5q22.2.
Variant type: single nucleotide variant.
Coding change: c.8116G>A on transcript NM_000038.6 (MANE Select); coding-DNA position 8116, G replaced by A.
Protein change: p.Val2706Met; replaces valine 2706 with methionine.
Molecular consequence: missense variant.
Genome position (GRCh38, 1-based): chr5:112,843,710, G>A. VCF-style: chr5-112843710-G-A. GRCh37 (hg19) VCF-style: chr5-112179407-G-A.
Other names: c.8116G>A, p.Val2706Met (NM_001127510.3, NM_001354895.2); c.8062G>A, p.Val2688Met (NM_001127511.3); c.8170G>A, p.Val2724Met (NM_001354896.2); c.8146G>A, p.Val2716Met (NM_001354897.2); c.8041G>A, p.Val2681Met (NM_001354898.2); c.8032G>A, p.Val2678Met (NM_001354899.2); c.7993G>A, p.Val2665Met (NM_001354900.2); c.7939G>A, p.Val2647Met (NM_001354901.2); and 5 more; short protein forms V2423M, V2580M, V2615M, V2706M, V2546M, V2647M, V2665M, V2678M.
Identifiers: ClinVar variation 964991 (VCV000964991.12), dbSNP rs1766647850, ClinGen allele CA16038960.